The following is an entry in ClinVar:

ClinVar aggregate classification (germline): Uncertain significance. Review status: criteria provided, single submitter (1 of 4 stars). 2 submissions from 2 submitters: Uncertain significance (1). 1 of the submissions does not count toward it. Last evaluated 2025-01-20.

Conditions:
JARID2-related disorder. Also called: JARID2-related condition.
Inborn genetic diseases. Identifiers: MedGen C0950123, MeSH D030342.

Allele frequency attached by ClinVar (database versions not stated): gnomAD 0.00001; TOPMed 0.00002; ESP Exome Variant Server 0.00008.
gnomAD v4.1: 4 of 1,614,000 alleles (0.00025%); highest among the groups gnomAD compares: Middle Eastern, 0.016%; no homozygotes.

Submissions (2):

Ambry Genetics
Classification: Uncertain significance for Inborn genetic diseases. Last evaluated: 2025-01-20. Review status: criteria provided, single submitter. Criteria: Ambry Variant Classification Scheme 2023. Collection method: clinical testing. Allele origin: germline.

PreventionGenetics, part of Exact Sciences
Classification: Uncertain significance for JARID2-related condition. Last evaluated: 2024-01-25. Review status: no assertion criteria provided. Collection method: clinical testing. Allele origin: germline. Not counted in ClinVar's aggregate classification.
Comment: The JARID2 c.445A>C variant is predicted to result in the amino acid substitution p.Lys149Gln. To our knowledge, this variant has not been reported in the literature. This variant is reported in 0.00088% of alleles in individuals of European (Non-Finnish) descent in gnomAD. At this time, the clinical significance of this variant is uncertain due to the absence of conclusive functional and genetic evidence.

NM_004973.4(JARID2):c.445A>C (p.Lys149Gln)

Gene: JARID2 (jumonji and AT-rich interaction domain containing 2; plus strand). Cytogenetic location: 6p22.3.
Variant type: single nucleotide variant.
Coding change: c.445A>C on transcript NM_004973.4 (MANE Select); coding-DNA position 445, A replaced by C.
Protein change: p.Lys149Gln; replaces lysine 149 with glutamine.
Molecular consequence: missense variant. On other transcripts: 5 prime UTR variant (1).
Genome position (GRCh38, 1-based): chr6:15,452,127, A>C. VCF-style: chr6-15452127-A-C. GRCh37 (hg19) VCF-style: chr6-15452358-A-C.
Other names: c.-72A>C (NM_001267040.1); c.445A>C (NM_004973.2); short protein forms K149Q.
Identifiers: ClinVar variation 3029868 (VCV003029868.3), dbSNP rs377723819, ClinGen allele CA135259306.